The following is an entry in ClinVar:

ClinVar aggregate classification (germline): Likely pathogenic (1 of 4 stars; one submission).

Conditions:
Dilated cardiomyopathy 1G (CMD1G). Identifiers: Orphanet 154, MedGen C1858763, MONDO:0011400, OMIM 604145.
Autosomal recessive limb-girdle muscular dystrophy type 2J (LGMDR10). Also called: Limb-girdle muscular dystrophy, type 2J; MUSCULAR DYSTROPHY, LIMB-GIRDLE, AUTOSOMAL RECESSIVE 10. Identifiers: Orphanet 140922, MedGen C1837342, MONDO:0012127, OMIM 608807.

Submission:

Labcorp Genetics (formerly Invitae), Labcorp
Classification: Likely pathogenic for Dilated cardiomyopathy 1G; Autosomal recessive limb-girdle muscular dystrophy type 2J. Last evaluated: 2024-07-01. Review status: criteria provided, single submitter. Criteria: Invitae Variant Classification Sherloc (09022015). Collection method: clinical testing. Allele origin: germline.
Comment: This sequence change creates a premature translational stop signal (p.Pro13450Hisfs*12) in the TTN gene. While this is not anticipated to result in nonsense mediated decay, it is expected to create a truncated TTN protein. This variant is not present in population databases (gnomAD no frequency). This variant has not been reported in the literature in individuals affected with TTN-related conditions. ClinVar contains an entry for this variant (Variation ID: 2035915). This variant is located in the I band of TTN (PMID: 25589632). Truncating variants in this region have been reported in individuals affected with autosomal recessive centronuclear myopathy (PMID: 23975875, Invitae internal data). Truncating variants in this region have also been identified in individuals affected with autosomal dominant dilated cardiomyopathy and/or cardio-related conditions (PMID: 27869827, 32964742, Invitae internal data). In summary, the currently available evidence indicates that the variant is pathogenic, but additional data are needed to prove that conclusively. Therefore, this variant has been classified as Likely Pathogenic.

Literature cited by the submitters: PubMed 25589632; PubMed 23975875; PubMed 27869827; PubMed 32964742.

NM_001267550.2(TTN):c.40349del (p.Pro13450fs)

Gene: TTN (titin; minus strand). Cytogenetic location: 2q31.2.
Variant type: Deletion.
Coding change: c.40349del on transcript NM_001267550.2 (MANE Select); coding-DNA position 40349, one base deleted (C; older notation c.40349delC).
Protein change: p.Pro13450fs; shifts the reading frame from proline 13450.
Molecular consequence: frameshift variant. On other transcripts: intron variant (3).
Genome position (GRCh38, 1-based): chr2:178,645,979, G deleted on the plus strand (C on the coding strand, the reverse complement: TTN is on the minus strand); the first of 5 consecutive G bases (chr2:178,645,979-178,645,983); deleting any one gives the same sequence. VCF-style (leftmost placement, unchanged base first): chr2-178645978-TG-T. GRCh37 (hg19) VCF-style: chr2-179510705-TG-T.
Other names: c.13283-3662del (NM_003319.4); c.13859-3662del (NM_133437.4); c.13658-3662del (NM_133432.3); c.35426del, p.Pro11809fs (NM_001256850.1); c.32645del, p.Pro10882fs (NM_133378.4); short protein forms P10882fs, P13450fs, P11809fs.
Identifiers: ClinVar variation 2035915 (VCV002035915.4), dbSNP rs1456702147, ClinGen allele CA538092539.